The following is an entry in ClinVar:

NM_001283009.2(RTEL1):c.2624G>A (p.Arg875Lys)

Genes: RTEL1 (regulator of telomere elongation helicase 1; plus strand), RTEL1-TNFRSF6B (RTEL1-TNFRSF6B readthrough (NMD candidate); plus strand). Cytogenetic location: 20q13.33.
Variant type: single nucleotide variant.
Coding change: c.2624G>A on transcript NM_001283009.2 (MANE Select); coding-DNA position 2624, G replaced by A.
Protein change: p.Arg875Lys; replaces arginine 875 with lysine.
Molecular consequence: missense variant. On other transcripts: non-coding transcript variant (1).
Genome position (GRCh38, 1-based): chr20:63,691,809, G>A. VCF-style: chr20-63691809-G-A. GRCh37 (hg19) VCF-style: chr20-62323162-G-A.
Other names: c.1955G>A, p.Arg652Lys (NM_001283010.1); c.2624G>A, p.Arg875Lys (NM_016434.4); c.2696G>A, p.Arg899Lys (NM_032957.5); short protein forms R875K, R652K, R899K.
Identifiers: ClinVar variation 662317 (VCV000662317.33), dbSNP rs200565373, ClinGen allele CA9965436.

ClinVar aggregate classification (germline): Uncertain significance. Review status: criteria provided, multiple submitters, no conflicts (2 of 4 stars). 5 submissions from 5 submitters: Uncertain significance (3). 2 of the submissions do not count toward it. Last evaluated 2026-01-05.

Conditions:
RTEL1-related disorder. Also called: RTEL1-related condition; RTEL1-related disorders.
Inborn genetic diseases. Identifiers: MedGen C0950123, MeSH D030342.
Pulmonary fibrosis and/or bone marrow failure, Telomere-related, 3. Also called: PULMONARY FIBROSIS AND/OR BONE MARROW FAILURE SYNDROME, TELOMERE-RELATED, 3. Identifiers: Orphanet 2032, MedGen C4225346, MONDO:0014613, OMIM 616373.
Dyskeratosis congenita, autosomal recessive 5 (DKCB5). Identifiers: MedGen C3554656, MONDO:0014076, OMIM 615190.
Dyskeratosis congenita, autosomal dominant 1 (DKCA1). Also called: Dyskeratosis congenita Scoggins type. Identifiers: Orphanet 1775, MedGen C4551974, MONDO:0007485, OMIM 127550. Inheritance: Variable.

Allele frequency attached by ClinVar (database versions not stated): ExAC 0.00003; gnomAD 0.00003 and 0.00004; gnomAD exomes 0.00003 and 0.00006; TOPMed 0.00005; 1000 Genomes Project 0.00020; 1000 Genomes Project 30x 0.00031.
gnomAD v4.1: 47 of 1,612,176 alleles (0.0029%); highest among the groups gnomAD compares: Middle Eastern, 0.05%; no homozygotes.

Submissions (5):

Labcorp Genetics (formerly Invitae), Labcorp
Classification: Uncertain significance for Dyskeratosis congenita, autosomal recessive 5; Pulmonary fibrosis and/or bone marrow failure, Telomere-related, 3. Last evaluated: 2026-01-05. Review status: criteria provided, single submitter. Criteria: Invitae Variant Classification Sherloc (09022015). Collection method: clinical testing. Allele origin: germline.
Comment: This sequence change replaces arginine, which is basic and polar, with lysine, which is basic and polar, at codon 875 of the RTEL1 protein (p.Arg875Lys). This variant is present in population databases (rs200565373, gnomAD 0.03%). This variant has not been reported in the literature in individuals affected with RTEL1-related conditions. This variant is also known as NM_032957.4:c.2696G>A (p.Arg899Lys). ClinVar contains an entry for this variant (Variation ID: 662317). An algorithm developed to predict the effect of missense changes on protein structure and function outputs the following: PolyPhen-2: "Benign". The lysine amino acid residue is found in multiple mammalian species, which suggests that this missense change does not adversely affect protein function. In summary, the available evidence is currently insufficient to determine the role of this variant in disease. Therefore, it has been classified as a Variant of Uncertain Significance.

Ambry Genetics
Classification: Uncertain significance for Inborn genetic diseases. Last evaluated: 2025-12-08. Review status: criteria provided, single submitter. Criteria: Ambry Variant Classification Scheme 2023. Collection method: clinical testing. Allele origin: germline.

CeGaT Center for Human Genetics Tuebingen
Classification: Uncertain significance. Last evaluated: 2022-11-01. Review status: criteria provided, single submitter. Criteria: CeGaT Center For Human Genetics Tuebingen Variant Classification Criteria Version 2. Collection method: clinical testing. Allele origin: germline. Affected: yes. Observed: 1 variant allele.
Comment: RTEL1: PM2, BP4

PreventionGenetics, part of Exact Sciences
Classification: Uncertain significance for RTEL1-related condition. Last evaluated: 2023-10-26. Review status: no assertion criteria provided. Collection method: clinical testing. Allele origin: germline. Not counted in ClinVar's aggregate classification.
Comment: The RTEL1 c.2696G>A variant is predicted to result in the amino acid substitution p.Arg899Lys. To our knowledge, this variant has not been reported in the literature. This variant is reported in 0.031% of alleles in individuals of Latino descent in gnomAD. At this time, the clinical significance of this variant is uncertain due to the absence of conclusive functional and genetic evidence.

Natera, Inc.
Classification: Uncertain significance for Autosomal dominant dyskeratosis congenita. Last evaluated: 2020-04-30. Review status: no assertion criteria provided. Collection method: clinical testing. Allele origin: germline. Not counted in ClinVar's aggregate classification.